The following is an entry in ClinVar:

ClinVar aggregate classification (germline): Conflicting classifications of pathogenicity. Review status: criteria provided, conflicting classifications (1 of 4 stars). 5 submissions from 5 submitters: Uncertain significance (4); Likely benign (1). Last evaluated 2024-07-26.

Conditions:
46,XY sex reversal 6. Also called: 46,XY SEX REVERSAL, PARTIAL OR COMPLETE, MAP3K1-RELATED; 46,XY GONADAL DYSGENESIS, PARTIAL OR COMPLETE, MAP3K1-RELATED. Identifiers: MedGen C3151064, MONDO:0013410, OMIM 613762.

Allele frequency attached by ClinVar (database versions not stated): gnomAD exomes 0.00002 and 0.00006; ExAC 0.00007; TOPMed 0.00015; gnomAD 0.00019 and 0.00020.
gnomAD v4.1: 168 of 1,614,038 alleles (0.01%); highest among the groups gnomAD compares: East Asian, 0.056%; 6 homozygotes.

Submissions (5):

Labcorp Genetics (formerly Invitae), Labcorp
Classification: Likely benign for 46,XY sex reversal 6. Last evaluated: 2024-07-26. Review status: criteria provided, single submitter. Criteria: Invitae Variant Classification Sherloc (09022015). Collection method: clinical testing. Allele origin: germline.

Fulgent Genetics
Classification: Uncertain significance for 46,XY sex reversal 6. Last evaluated: 2024-01-03. Review status: criteria provided, single submitter. Criteria: ACMG Guidelines, 2015. Collection method: clinical testing. Allele origin: germline.

Victorian Clinical Genetics Services, Murdoch Childrens Research Institute
Classification: Uncertain significance for 46,XY sex reversal 6. Last evaluated: 2022-03-31. Review status: criteria provided, single submitter. Criteria: ACMG Guidelines, 2015. Collection method: clinical testing. Allele origin: germline. Inheritance: Autosomal dominant inheritance. Affected: yes.
Comment: Based on the classification scheme VCGS_Germline_v1.3.4, this variant is classified as VUS-3B. Following criteria are met: 0101 - Gain of function is a known mechanism of disease in this gene and is associated with 46,XY sex reversal 6 (MIM#613762). Functional studies of missense variants observed in affected individuals have shown they increase phosphorylation of downstream products causing increased activation of the MAPK pathway (PMIDs: 24135036, 21129722, 30608580). (I) 0107 - This gene is associated with autosomal dominant disease. The condition associated with this gene is inherited in a sex limited manner; only individuals with a 46,XY karyotype are affected (PMID: 20301714). (I) 0115 - Variants in this gene are known to have variable expressivity. Intrafamilial and interfamilial variability have been reported, with individuals harbouring the same variants observed to have variable phenotypes, ranging from hypospadias to complete gonadal dysgenesis (PMIDs: 27899157, 12476449, 21129722). (I) 0200 - Variant is predicted to result in a missense amino acid change from methionine to leucine. (I) 0251 - This variant is heterozygous. (I) 0309 - An alternative amino acid change at the same position has been observed in gnomAD (v3) (2 heterozygotes, 0 homozygotes). (I) 0310 - Variant is present in gnomAD (v3) >=0.001 and <0.01 for a dominant condition (22 heterozygotes, 4 homozygotes). However, the four homozygotes and 17 heterozygotes had an XX karyotype and would therefore be expected to be unaffected carriers of 46,XY sex reversal. (I) 0502 - Missense variant with conflicting in silico predictions and high conservation. (I) 0604 - Variant is not located in an established domain, motif, hotspot or informative constraint region. (I) 0705 - No comparable missense variants have previous evidence for pathogenicity. (I) 0803 - This variant has limited previous evidence of pathogenicity in unrelated individuals. This variant has been classified as likely pathogenic in four individuals in the literature with variable phenotypes including hypospadias, disorders of sex development, and complete gonadal dysgenesis (PMID: 27899157). However, two of these individuals also had a variant in another gene associated with DSD. This variant has also been classified as likely pathogenic, likely benign and as a VUS by clinical laboratories in ClinVar. (SP) 0905 - No published segregation evidence has been identified for this variant. (I) 1007 - No published functional evidence has been identified for this variant. (I) 1208 - Inheritance information for this variant is not currently available in this individual. (I) Legend: (SP) - Supporting pathogenic, (I) - Information, (SB) - Supporting benign

Department of Pathology and Laboratory Medicine, Sinai Health System
Classification: Uncertain significance for 46,XY sex reversal 6. Last evaluated: 2021-07-30. Review status: criteria provided, single submitter. Criteria: ACMG Guidelines, 2015. Collection method: research. Allele origin: germline.

Genetic Services Laboratory, University of Chicago
Classification: Uncertain significance. Last evaluated: 2020-03-31. Review status: criteria provided, single submitter. Criteria: ACMG Guidelines, 2015. Collection method: clinical testing. Allele origin: germline. Affected: no.

Literature cited by the submitters: PubMed 12476449 (cited by Victorian Clinical Genetics Services, Murdoch Childrens Research Institute); PubMed 20301714 (cited by Victorian Clinical Genetics Services, Murdoch Childrens Research Institute); PubMed 21129722 (cited by Victorian Clinical Genetics Services, Murdoch Childrens Research Institute); PubMed 24135036 (cited by Victorian Clinical Genetics Services, Murdoch Childrens Research Institute); PubMed 27899157 (cited by Victorian Clinical Genetics Services, Murdoch Childrens Research Institute); PubMed 30608580 (cited by Victorian Clinical Genetics Services, Murdoch Childrens Research Institute).

NM_005921.2(MAP3K1):c.934A>T (p.Met312Leu)

Gene: MAP3K1 (mitogen-activated protein kinase kinase kinase 1; plus strand). Cytogenetic location: 5q11.2.
Variant type: single nucleotide variant.
Coding change: c.934A>T on transcript NM_005921.2 (MANE Select); coding-DNA position 934, A replaced by T.
Protein change: p.Met312Leu; replaces methionine 312 with leucine.
Molecular consequence: missense variant.
Genome position (GRCh38, 1-based): chr5:56,864,833, A>T. VCF-style: chr5-56864833-A-T. GRCh37 (hg19) VCF-style: chr5-56160660-A-T.
Other names: short protein forms M312L.
Identifiers: ClinVar variation 539063 (VCV000539063.19), dbSNP rs376808920, ClinGen allele CA3272650.
Genomic context (GRCh38, chr5:56,864,833, plus strand): 5'-TCACCAGATGGCTTCTCACCATATAGCCCTGAGGAAACAAACCGCCGTGTTAACAAAGTG[A>T]TGCGGGCCAGACTGTACTTACTGCAGCAGATAGGGCCTAACTCTTTCCTGATTGGAGGAG-3'
Protein context (NP_005912.1, residues 302-322): EETNRRVNKV[Met312Leu]RARLYLLQQI